The following is an entry in ClinVar:

ClinVar aggregate classification (germline): Likely pathogenic (3 of 4 stars; one submission).

Conditions:
Phenylketonuria (PKU). Also called: FOLLING DISEASE; OLIGOPHRENIA PHENYLPYRUVICA; Phenylketonurias; Phenylketonuria (PKU). Identifiers: Orphanet 716, MedGen C0031485, MONDO:0009861, OMIM 261600. Disease mechanism: loss of function.

Submission:

ClinGen PAH Variant Curation Expert Panel
Classification: Likely pathogenic for Phenylketonuria. Last evaluated: 2024-11-17. Review status: reviewed by expert panel. Criteria: ClinGen PAH ACMG Specifications v1. Collection method: curation. Allele origin: germline. Inheritance: Autosomal recessive inheritance.
Comment: The c.552G>T (p.Lys184Asn) variant in PAH is a missense variant predicted to cause substitution of lysine by asparagine at amino acid 184. It has been detected in a patient with phenylketonuria with pathogenic variant c.442-1G>A, phase unconfirmed (PMID: 25456745). This variant is absent in population databases. Multiple lines of computational evidence support a deleterious effect (REVEL= 0.827). In summary, this variant is classified as likely pathogenic due to insufficient evidence based on the ACMG/AMP criteria applied, as specified by the ClinGen PAH VCEP: PM2_supporting, PM3_supporting, PP3_moderate, PP4_moderate.

NM_000277.3(PAH):c.552G>T (p.Lys184Asn)

Gene: PAH (phenylalanine hydroxylase; minus strand). Cytogenetic location: 12q23.2.
Variant type: single nucleotide variant.
Coding change: c.552G>T on transcript NM_000277.3 (MANE Select); coding-DNA position 552, G replaced by T.
Protein change: p.Lys184Asn; replaces lysine 184 with asparagine.
Molecular consequence: missense variant.
Genome position (GRCh38, 1-based): chr12:102,855,290, C>A on the plus strand (G>T on the coding strand, the complement: PAH is on the minus strand). VCF-style: chr12-102855290-C-A. GRCh37 (hg19) VCF-style: chr12-103249068-C-A.
Other names: NM_001354304.2:c.552G>T; c.552G>T, p.Lys184Asn (NM_001354304.2); short protein forms K184N.
Identifiers: ClinVar variation 3393466 (VCV003393466.1).
Genomic context (GRCh38, chr12:102,855,290, plus strand): 5'-ATAGCAAGCATGGGTTTTATACAAGGACTTCAGAGTCTTGAACACTGTGCCCCATGTTTT[C>A]TTTTCTTCCTCCATGTATTCCACTCGAGGGATGGGCTGCCCACTAGAATACAGGCACAAA-3'
Protein context (NP_000268.1, residues 174-194): IPRVEYMEEE[Lys184Asn]KTWGTVFKTL